The following is an entry in ClinVar:

ClinVar aggregate classification (germline): Pathogenic (1 of 4 stars; one submission).

Conditions:
Ehlers-Danlos syndrome, type 4 (EDSVASC). Also called: Ehlers-Danlos syndrome vascular type; Ehlers Danlos syndrome, ecchymotic type; Ehlers Danlos syndrome, arterial type; Ehlers Danlos syndrome, Sack-Barabas type; Ehlers-Danlos Syndrome Type IV. Identifiers: Orphanet 286, MedGen C0268338, MONDO:0017314, OMIM 130050.

Submission:

Labcorp Genetics (formerly Invitae), Labcorp
Classification: Pathogenic for Ehlers-Danlos syndrome, type 4. Last evaluated: 2021-06-20. Review status: criteria provided, single submitter. Criteria: Invitae Variant Classification Sherloc (09022015). Collection method: clinical testing. Allele origin: germline.
Comment: This sequence change creates a premature translational stop signal (p.Gln1088*) in the COL3A1 gene. It is expected to result in an absent or disrupted protein product. Loss-of-function variants in COL3A1 are known to be pathogenic (PMID: 24922459). This variant is not present in population databases (ExAC no frequency). This variant has not been reported in the literature in individuals with COL3A1-related conditions. For these reasons, this variant has been classified as Pathogenic.

Literature cited by the submitters: PubMed 24922459.

NM_000090.4(COL3A1):c.3262C>T (p.Gln1088Ter)

Gene: COL3A1 (collagen type III alpha 1 chain; plus strand). Cytogenetic location: 2q32.2.
Variant type: single nucleotide variant.
Coding change: c.3262C>T on transcript NM_000090.4 (MANE Select); coding-DNA position 3262, C replaced by T.
Protein change: p.Gln1088Ter; replaces glutamine 1088 with a stop codon.
Molecular consequence: nonsense.
Genome position (GRCh38, 1-based): chr2:189,007,506, C>T. VCF-style: chr2-189007506-C-T. GRCh37 (hg19) VCF-style: chr2-189872232-C-T.
Other names: short protein forms Q1088*.
Identifiers: ClinVar variation 1457100 (VCV001457100.6), dbSNP rs1328301317, ClinGen allele CA349845552.